The following is an entry in ClinVar:

ClinVar aggregate classification (germline): Pathogenic (1 of 4 stars; one submission).

Conditions:
Microphthalmia. Also called: Microphthalmos. Identifiers: MedGen C0026010, MONDO:0021129, HP:0000568.

Submission:

Genetics Department, University Hospital of Toulouse
Classification: Pathogenic for Microphthalmia. Last evaluated: 2022-10-15. Review status: criteria provided, single submitter. Criteria: ACMG Guidelines, 2015. Collection method: clinical testing. Allele origin: germline. Affected: yes.
Comment: P (PSVS1, PS2, PM2)

NM_003106.4(SOX2):c.103_110dup (p.Ser37fs)

Genes: SOX2 (SRY-box transcription factor 2; plus strand), SOX2-OT (SOX2 overlapping transcript; plus strand), LOC108281177 (SOX2 5' regulatory region; plus strand). Cytogenetic location: 3q26.33.
Variant type: Duplication.
Coding change: c.103_110dup on transcript NM_003106.4 (MANE Select); coding-DNA positions 103 to 110, 8 bases duplicated (AAAAACAG; older notation c.103_110dupAAAAACAG).
Protein change: p.Ser37fs; shifts the reading frame from serine 37.
Molecular consequence: frameshift variant.
Genome position (GRCh38, 1-based): chr3:181,712,463-181,712,470, AAAAACAG duplicated; duplicating any 8 consecutive bases within chr3:181,712,460-181,712,470 gives the same sequence; the c. name uses the placement nearest the transcript's 3' end. VCF-style (leftmost placement, unchanged base first): chr3-181712459-C-CCAGAAAAA. GRCh37 (hg19) VCF-style: chr3-181430247-C-CCAGAAAAA.
Other names: short protein forms S37fs.
Identifiers: ClinVar variation 1710348 (VCV001710348.1), dbSNP rs2473717120, ClinGen allele CA2580069109.